The following is an entry in ClinVar:

ClinVar aggregate classification (germline): Uncertain significance (1 of 4 stars; one submission).

Conditions:
Charcot-Marie-Tooth disease type 2. Also called: Charcot-Marie-Tooth type 2. Identifiers: Orphanet 64746, MedGen C0270914, MONDO:0018993.

Submission:

Labcorp Genetics (formerly Invitae), Labcorp
Classification: Uncertain significance for Charcot-Marie-Tooth disease type 2. Last evaluated: 2024-06-30. Review status: criteria provided, single submitter. Criteria: Invitae Variant Classification Sherloc (09022015). Collection method: clinical testing. Allele origin: germline.
Comment: This sequence change falls in intron 19 of the AARS gene. It does not directly change the encoded amino acid sequence of the AARS protein. This variant is not present in population databases (gnomAD no frequency). This variant has not been reported in the literature in individuals affected with AARS-related conditions. Algorithms developed to predict the effect of sequence changes on RNA splicing suggest that this variant may disrupt the consensus splice site. In summary, the available evidence is currently insufficient to determine the role of this variant in disease. Therefore, it has been classified as a Variant of Uncertain Significance.

NM_001605.3(AARS1):c.2607+10G>C

Gene: AARS1 (alanyl-tRNA synthetase 1; minus strand). Cytogenetic location: 16q22.1.
Variant type: single nucleotide variant.
Coding change: c.2607+10G>C on transcript NM_001605.3 (MANE Select); 10 bases into the intron after coding-DNA position 2607, G replaced by C.
Molecular consequence: intron variant.
Genome position (GRCh38, 1-based): chr16:70,253,704, C>G on the plus strand (G>C on the coding strand, the complement: AARS1 is on the minus strand). VCF-style: chr16-70253704-C-G. GRCh37 (hg19) VCF-style: chr16-70287607-C-G.
Identifiers: ClinVar variation 3658278 (VCV003658278.2).